The following is an entry in ClinVar:

NM_000352.6(ABCC8):c.1678G>A (p.Val560Met)

Gene: ABCC8 (ATP binding cassette subfamily C member 8; minus strand). Cytogenetic location: 11p15.1.
Variant type: single nucleotide variant.
Coding change: c.1678G>A on transcript NM_000352.6 (MANE Select); coding-DNA position 1678, G replaced by A.
Protein change: p.Val560Met; replaces valine 560 with methionine.
Molecular consequence: missense variant. On other transcripts: non-coding transcript variant (1).
Genome position (GRCh38, 1-based): chr11:17,430,953, C>T on the plus strand (G>A on the coding strand, the complement: ABCC8 is on the minus strand). VCF-style: chr11-17430953-C-T. GRCh37 (hg19) VCF-style: chr11-17452500-C-T.
Other names: c.1678G>A, p.Val560Met (NM_001287174.3, NM_001351295.2); c.1675G>A, p.Val559Met (NM_001351296.2, NM_001351297.2); short protein forms V560M, V559M.
Identifiers: ClinVar variation 188919 (VCV000188919.20), dbSNP rs4148619, ClinGen allele CA274125.

ClinVar aggregate classification (germline): Benign/Likely benign. Review status: criteria provided, multiple submitters, no conflicts (2 of 4 stars). 8 submissions from 6 submitters: Benign (3); Likely benign (3). 2 of the submissions do not count toward it. Last evaluated 2026-01-28.

Conditions:
Hereditary hyperinsulinism.
Diabetes mellitus, transient neonatal, 2 (TNDM2). Identifiers: Orphanet 99886, MedGen C1835887, MONDO:0012480, OMIM 610374. Disease mechanism: loss of function.
Permanent neonatal diabetes mellitus (PNDM). Identifiers: Orphanet 99885, MedGen C1833104, MONDO:0100164, MONDO:0011643. Disease mechanism: gain of function.
Hyperinsulinemic hypoglycemia, familial, 1 (HHF1). Also called: NESIDIOBLASTOSIS OF PANCREAS; Persistent hyperinsulinemic hypoglycemia of infancy; Persistent Hyperinsulinemia Hypoglycemia of Infancy; HYPERINSULINISM, FAMILIAL, WITH PANCREATIC NESIDIOBLASTOSIS; HYPOGLYCEMIA, HYPERINSULINEMIC, OF INFANCY. Identifiers: Orphanet 276575, Orphanet 276598, MedGen C2931832, MONDO:0009734, OMIM 256450.

Allele frequency attached by ClinVar (database versions not stated): gnomAD 0.00019 and 0.00028; gnomAD exomes 0.00036 and 0.00065; TOPMed 0.00038; ExAC 0.00078; 1000 Genomes Project 30x 0.00187; 1000 Genomes Project 0.00220.
gnomAD v4.1: 560 of 1,614,080 alleles (0.035%); highest among the groups gnomAD compares: East Asian, 1.2%; 1 homozygote.

Submissions (8):

Labcorp Genetics (formerly Invitae), Labcorp
Classification: Benign. Last evaluated: 2026-01-28. Review status: criteria provided, single submitter. Criteria: Invitae Variant Classification Sherloc (09022015). Collection method: clinical testing. Allele origin: germline.

Blueprint Genetics
Classification: Benign. Last evaluated: 2024-11-26. Review status: criteria provided, single submitter. Criteria: ACMG Guidelines, 2015. Collection method: clinical testing. Allele origin: germline.

Women's Health and Genetics/Laboratory Corporation of America, LabCorp
Classification: Benign. Last evaluated: 2022-03-11. Review status: criteria provided, single submitter. Criteria: LabCorp Variant Classification Summary - May 2015. Collection method: clinical testing. Allele origin: germline.
Comment: Variant summary: ABCC8 c.1678G>A (p.Val560Met) results in a conservative amino acid change in the encoded protein sequence. Three of five in-silico tools predict a benign effect of the variant on protein function. The variant allele was found at a frequency of 0.00065 in 250606 control chromosomes, predominantly at a frequency of 0.0085 within the East Asian subpopulation in the gnomAD database, including 1 homozygote. The observed variant frequency within East Asian control individuals in the gnomAD database is approximately 2.5 fold of the estimated maximal expected allele frequency for a pathogenic variant in ABCC8 causing Familial Hyperinsulinism phenotype (0.0034), strongly suggesting that the variant is a benign polymorphism found primarily in populations of East Asian origin. To our knowledge, no penetrant association of c.1678G>A in individuals affected with Familial Hyperinsulinism and no experimental evidence demonstrating its impact on protein function have been reported. Three clinical diagnostic laboratories have submitted clinical-significance assessments for this variant to ClinVar after 2014 without evidence for independent evaluation. All laboratories classified the variant as benign/likely benign. Based on the evidence outlined above, the variant was classified as benign.

Illumina Laboratory Services, Illumina
Classification: Likely benign for Hyperinsulinemic hypoglycemia, familial, 1. Last evaluated: 2017-04-27. Review status: criteria provided, single submitter. Criteria: ICSL Variant Classification Criteria 13 December 2019. Collection method: clinical testing. Allele origin: germline.
Comment: This variant was observed as part of a predisposition screen in an ostensibly healthy population. A literature search was performed for the gene, cDNA change, and amino acid change (where applicable). No publications were found based on this search. Allele frequency data from public databases allowed determination this variant is unlikely to cause disease. Therefore, this variant is classified as likely benign.

Illumina Laboratory Services, Illumina
Classification: Likely benign for Diabetes mellitus, transient neonatal, 2. Last evaluated: 2017-04-27. Review status: criteria provided, single submitter. Criteria: ICSL Variant Classification Criteria 13 December 2019. Collection method: clinical testing. Allele origin: germline.
Comment: the same text as in the submission from Illumina Laboratory Services, Illumina above.

Illumina Laboratory Services, Illumina
Classification: Likely benign for Permanent neonatal diabetes mellitus 1. Last evaluated: 2017-04-27. Review status: criteria provided, single submitter. Criteria: ICSL Variant Classification Criteria 13 December 2019. Collection method: clinical testing. Allele origin: germline.
Comment: the same text as in the submission from Illumina Laboratory Services, Illumina above.

Natera, Inc.
Classification: Benign for Hereditary hyperinsulinism. Last evaluated: 2020-09-16. Review status: no assertion criteria provided. Collection method: clinical testing. Allele origin: germline. Not counted in ClinVar's aggregate classification.

Counsyl
Classification: Likely benign for Persistent hyperinsulinemic hypoglycemia of infancy. Last evaluated: 2014-08-22. Review status: no assertion criteria provided. Collection method: literature only. Allele origin: unknown. Inheritance: Autosomal recessive inheritance. Not counted in ClinVar's aggregate classification.

Literature cited by the submitters: PubMed 9519757 (cited by Women's Health and Genetics/Laboratory Corporation of America, LabCorp and Counsyl); PubMed 12166651 (cited by Women's Health and Genetics/Laboratory Corporation of America, LabCorp); PubMed 16367916 (cited by Women's Health and Genetics/Laboratory Corporation of America, LabCorp); PubMed 20849526 (cited by Counsyl).